The following is an entry in ClinVar:

NM_000234.3(LIG1):c.2441C>T (p.Ala814Val)

Gene: LIG1 (DNA ligase 1; minus strand). Cytogenetic location: 19q13.33.
Variant type: single nucleotide variant.
Coding change: c.2441C>T on transcript NM_000234.3 (MANE Select); coding-DNA position 2441, C replaced by T.
Protein change: p.Ala814Val; replaces alanine 814 with valine.
Molecular consequence: missense variant. On other transcripts: non-coding transcript variant (6).
Genome position (GRCh38, 1-based): chr19:48,117,780, G>A on the plus strand (C>T on the coding strand, the complement: LIG1 is on the minus strand). VCF-style: chr19-48117780-G-A. GRCh37 (hg19) VCF-style: chr19-48621037-G-A.
Other names: c.2348C>T, p.Ala783Val (NM_001289063.2); c.2237C>T, p.Ala746Val (NM_001289064.2); c.2438C>T, p.Ala813Val (NM_001320970.2); c.2351C>T, p.Ala784Val (NM_001320971.2); short protein forms A783V, A784V, A813V, A746V, A814V.
Identifiers: ClinVar variation 1474100 (VCV001474100.6), dbSNP rs1052689350, ClinGen allele CA309280403.
Genomic context (GRCh38, chr19:48,117,780, plus strand): 5'-TGGTCGGGAATCACAGCGCCATCTATCCGCACGTAAGGGCGTGGGCTGGGCAGCACCAGC[G>A]CCTGCAGTGAGCAGAGGAAGAGAGGAACAGAGGGTCTGGAATCTCAAAGTCAAGGCCAAG-3'
Protein context (NP_000225.1, residues 804-824): ELEEHHQSLK[Ala814Val]LVLPSPRPYV

ClinVar aggregate classification (germline): Uncertain significance (1 of 4 stars; one submission).

Allele frequency attached by ClinVar (database versions not stated): gnomAD 0.00001; gnomAD exomes 0.00001 and 0.00002; TOPMed 0.00001.

Submission:

Labcorp Genetics (formerly Invitae), Labcorp
Classification: Uncertain significance. Last evaluated: 2025-09-08. Review status: criteria provided, single submitter. Criteria: Invitae Variant Classification Sherloc (09022015). Collection method: clinical testing. Allele origin: germline.
Comment: This sequence change replaces alanine, which is neutral and non-polar, with valine, which is neutral and non-polar, at codon 814 of the LIG1 protein (p.Ala814Val). This variant is present in population databases (no rsID available, gnomAD 0.003%). This variant has not been reported in the literature in individuals affected with LIG1-related conditions. ClinVar contains an entry for this variant (Variation ID: 1474100). An algorithm developed to predict the effect of missense changes on protein structure and function (PolyPhen-2) suggests that this variant is likely to be tolerated. In summary, the available evidence is currently insufficient to determine the role of this variant in disease. Therefore, it has been classified as a Variant of Uncertain Significance.